The following is an entry in ClinVar:

ClinVar aggregate classification (germline): Uncertain significance. Review status: criteria provided, multiple submitters, no conflicts (2 of 4 stars). 2 submissions from 2 submitters: Uncertain significance (2). Last evaluated 2023-08-28.

Conditions:
Inborn genetic diseases. Identifiers: MedGen C0950123, MeSH D030342.

Allele frequency attached by ClinVar (database versions not stated): gnomAD 0.00003; TOPMed 0.00004; ExAC 0.00008; 1000 Genomes Project 0.00020; 1000 Genomes Project 30x 0.00031.

Submissions (2):

Ambry Genetics
Classification: Uncertain significance for Inborn genetic diseases. Last evaluated: 2023-08-28. Review status: criteria provided, single submitter. Criteria: Ambry Variant Classification Scheme 2023. Collection method: clinical testing. Allele origin: germline.

Labcorp Genetics (formerly Invitae), Labcorp
Classification: Uncertain significance. Last evaluated: 2022-07-19. Review status: criteria provided, single submitter. Criteria: Invitae Variant Classification Sherloc (09022015). Collection method: clinical testing. Allele origin: germline.
Comment: This sequence change replaces alanine, which is neutral and non-polar, with threonine, which is neutral and polar, at codon 241 of the SPEG protein (p.Ala241Thr). The frequency data for this variant in the population databases is considered unreliable, as metrics indicate poor data quality at this position in the gnomAD database. This variant has not been reported in the literature in individuals affected with SPEG-related conditions. Algorithms developed to predict the effect of missense changes on protein structure and function output the following: SIFT: "Tolerated"; PolyPhen-2: "Benign"; Align-GVGD: "Class C0". The threonine amino acid residue is found in multiple mammalian species, which suggests that this missense change does not adversely affect protein function. In summary, the available evidence is currently insufficient to determine the role of this variant in disease. Therefore, it has been classified as a Variant of Uncertain Significance.

NM_005876.5(SPEG):c.721G>A (p.Ala241Thr)

Gene: SPEG (striated muscle enriched protein kinase; plus strand). Cytogenetic location: 2q35.
Variant type: single nucleotide variant.
Coding change: c.721G>A on transcript NM_005876.5 (MANE Select); coding-DNA position 721, G replaced by A.
Protein change: p.Ala241Thr; replaces alanine 241 with threonine.
Molecular consequence: missense variant.
Genome position (GRCh38, 1-based): chr2:219,445,067, G>A. VCF-style: chr2-219445067-G-A. GRCh37 (hg19) VCF-style: chr2-220309789-G-A.
Other names: c.721G>A (NM_005876.4); short protein forms A241T.
Identifiers: ClinVar variation 1897793 (VCV001897793.4), dbSNP rs534977101, ClinGen allele CA2125555.